The following is an entry in ClinVar:

ClinVar aggregate classification (germline): Uncertain significance. Review status: criteria provided, multiple submitters, no conflicts (2 of 4 stars). 2 submissions from 2 submitters: Uncertain significance (2). Last evaluated 2025-09-26.

Conditions:
Genitopatellar syndrome (GTPTS). Also called: Genitopatellar syndrome (GPS); ABSENT PATELLAE, SCROTAL HYPOPLASIA, RENAL ANOMALIES, FACIAL DYSMORPHISM, AND MENTAL RETARDATION. Identifiers: Orphanet 85201, MedGen C1853566, MONDO:0011640, OMIM 606170.
Inborn genetic diseases. Identifiers: MedGen C0950123, MeSH D030342.

Submissions (2):

Ambry Genetics
Classification: Uncertain significance for Inborn genetic diseases. Last evaluated: 2025-09-26. Review status: criteria provided, single submitter. Criteria: Ambry Variant Classification Scheme 2023. Collection method: clinical testing. Allele origin: germline.
Comment: The c.4105G>A (p.G1369R) alteration is located in exon 18 (coding exon 16) of the KAT6B gene. This alteration results from a G to A substitution at nucleotide position 4105, causing the glycine (G) at amino acid position 1369 to be replaced by an arginine (R). Based on data from gnomAD, the A allele has an overall frequency of <0.001% (0/245654) total alleles studied. The highest observed frequency was <0.001% (/) of alleles. Based on insufficient or conflicting evidence, the clinical significance of this alteration remains unclear.

Labcorp Genetics (formerly Invitae), Labcorp
Classification: Uncertain significance for Genitopatellar syndrome. Last evaluated: 2025-07-09. Review status: criteria provided, single submitter. Criteria: Invitae Variant Classification Sherloc (09022015). Collection method: clinical testing. Allele origin: germline.
Comment: This sequence change replaces glycine, which is neutral and non-polar, with arginine, which is basic and polar, at codon 1369 of the KAT6B protein (p.Gly1369Arg). The frequency data for this variant in the population databases is considered unreliable, as metrics indicate poor data quality at this position in the gnomAD database. This variant has not been reported in the literature in individuals affected with KAT6B-related conditions. Invitae Evidence Modeling of protein sequence and biophysical properties (such as structural, functional, and spatial information, amino acid conservation, physicochemical variation, residue mobility, and thermodynamic stability) indicates that this missense variant is not expected to disrupt KAT6B protein function with a negative predictive value of 80%. In summary, the available evidence is currently insufficient to determine the role of this variant in disease. Therefore, it has been classified as a Variant of Uncertain Significance.

NM_012330.4(KAT6B):c.4105G>A (p.Gly1369Arg)

Gene: KAT6B (lysine acetyltransferase 6B; plus strand). Cytogenetic location: 10q22.2.
Variant type: single nucleotide variant.
Coding change: c.4105G>A on transcript NM_012330.4 (MANE Select); coding-DNA position 4105, G replaced by A.
Protein change: p.Gly1369Arg; replaces glycine 1369 with arginine.
Molecular consequence: missense variant.
Genome position (GRCh38, 1-based): chr10:75,028,929, G>A. VCF-style: chr10-75028929-G-A. GRCh37 (hg19) VCF-style: chr10-76788687-G-A.
Other names: c.3556G>A, p.Gly1186Arg (NM_001256468.2, NM_001370138.1); c.3229G>A, p.Gly1077Arg (NM_001256469.2, NM_001370139.1, NM_001370140.1 and 2 more transcripts); c.3067G>A, p.Gly1023Arg (NM_001370132.1); c.2416G>A, p.Gly806Arg (NM_001370133.1); c.2020G>A, p.Gly674Arg (NM_001370134.1); c.1762G>A, p.Gly588Arg (NM_001370135.1); c.4105G>A, p.Gly1369Arg (NM_001370136.1, NM_001370137.1); c.3040G>A, p.Gly1014Arg (NM_001370143.1, NM_001370144.1); short protein forms G1369R, G674R, G1023R, G1077R, G1186R, G588R, G1014R, G806R.
Identifiers: ClinVar variation 4622459 (VCV004622459.2).